The following is an entry in ClinVar:

ClinVar aggregate classification (germline): Likely benign. Review status: criteria provided, multiple submitters, no conflicts (2 of 4 stars). 4 submissions from 4 submitters: Likely benign (3). 1 of the submissions does not count toward it. Last evaluated 2025-12-12.

Conditions:
MIPEP-related disorder. Also called: MIPEP-related condition.
Inborn genetic diseases. Identifiers: MedGen C0950123, MeSH D030342.

Allele frequency attached by ClinVar (database versions not stated): gnomAD exomes 0.00017; ESP Exome Variant Server 0.00120; 1000 Genomes Project 0.00160; ExAC 0.00162; 1000 Genomes Project 30x 0.00172; gnomAD 0.00182 and 0.00196; TOPMed 0.00212.
gnomAD v4.1: 493 of 1,422,944 alleles (0.035%); highest among the groups gnomAD compares: African/African-American, 0.66%; 1 homozygote.

Submissions (4):

Labcorp Genetics (formerly Invitae), Labcorp
Classification: Likely benign. Last evaluated: 2025-12-12. Review status: criteria provided, single submitter. Criteria: Invitae Variant Classification Sherloc (09022015). Collection method: clinical testing. Allele origin: germline.

Ambry Genetics
Classification: Likely benign for Inborn genetic diseases. Last evaluated: 2024-04-23. Review status: criteria provided, single submitter. Criteria: Ambry Variant Classification Scheme 2023. Collection method: clinical testing. Allele origin: germline.

Breakthrough Genomics
Classification: Likely benign. Review status: criteria provided, single submitter. Criteria: ACMG Guidelines, 2015. Collection method: not provided. Allele origin: germline. Inheritance: Autosomal recessive inheritance. Affected: yes.

PreventionGenetics, part of Exact Sciences
Classification: Likely benign for MIPEP-related condition. Last evaluated: 2022-02-18. Review status: no assertion criteria provided. Collection method: clinical testing. Allele origin: germline. Not counted in ClinVar's aggregate classification.
Comment: This variant is classified as likely benign based on ACMG/AMP sequence variant interpretation guidelines (Richards et al. 2015 PMID: 25741868, with internal and published modifications).

NM_005932.4(MIPEP):c.184C>T (p.Arg62Cys)

Genes: PCOTH (prostate and testis expressed opposite C1QTNF9B and MIPEP; plus strand), MIPEP (mitochondrial intermediate peptidase; minus strand). Cytogenetic location: 13q12.12.
Variant type: single nucleotide variant.
Coding change: c.184C>T on transcript NM_005932.4 (MANE Select); coding-DNA position 184, C replaced by T.
Protein change: p.Arg62Cys; replaces arginine 62 with cysteine.
Molecular consequence: missense variant.
Genome position (GRCh38, 1-based): chr13:23,889,137, G>A on the plus strand (C>T on the coding strand, the complement: MIPEP is on the minus strand). VCF-style: chr13-23889137-G-A. GRCh37 (hg19) VCF-style: chr13-24463276-G-A.
Other names: short protein forms R62C.
Identifiers: ClinVar variation 709907 (VCV000709907.13), dbSNP rs76516046, ClinGen allele CA6913435.